The following is an entry in ClinVar:

ClinVar aggregate classification (germline): Pathogenic. Review status: criteria provided, single submitter (1 of 4 stars). 2 submissions from 2 submitters: Pathogenic (1). 1 of the submissions does not count toward it. Last evaluated 2023-12-01.

Submissions (2):

Labcorp Genetics (formerly Invitae), Labcorp
Classification: Pathogenic. Last evaluated: 2023-12-01. Review status: criteria provided, single submitter. Criteria: Invitae Variant Classification Sherloc (09022015). Collection method: clinical testing. Allele origin: germline.
Comment: This sequence change creates a premature translational stop signal (p.Tyr1652*) in the ABCA4 gene. It is expected to result in an absent or disrupted protein product. Loss-of-function variants in ABCA4 are known to be pathogenic (PMID: 10958761, 24938718, 25312043, 26780318). This variant is not present in population databases (gnomAD no frequency). This premature translational stop signal has been observed in individual(s) with Stargardt disease (PMID: 11702214). ClinVar contains an entry for this variant (Variation ID: 99335). Algorithms developed to predict the effect of sequence changes on RNA splicing suggest that this variant may disrupt the consensus splice site. For these reasons, this variant has been classified as Pathogenic.

Retina International
No classification provided. Review status: no classification provided. Collection method: not provided. Allele origin: not provided. Not counted in ClinVar's aggregate classification.

Literature cited by the submitters: PubMed 10958761 (cited by Labcorp Genetics (formerly Invitae), Labcorp); PubMed 24938718 (cited by Labcorp Genetics (formerly Invitae), Labcorp); PubMed 25312043 (cited by Labcorp Genetics (formerly Invitae), Labcorp); PubMed 26780318 (cited by Labcorp Genetics (formerly Invitae), Labcorp); PubMed 11702214 (cited by Labcorp Genetics (formerly Invitae), Labcorp).

NM_000350.3(ABCA4):c.4956T>G (p.Tyr1652Ter)

Genes: ABCA4 (ATP binding cassette subfamily A member 4; minus strand), LOC126805793 (CDK7 strongly-dependent group 2 enhancer GRCh37_chr1:94486302-94487501; plus strand). Cytogenetic location: 1p22.1.
Variant type: single nucleotide variant.
Coding change: c.4956T>G on transcript NM_000350.3 (MANE Select); coding-DNA position 4956, T replaced by G.
Protein change: p.Tyr1652Ter; replaces tyrosine 1652 with a stop codon.
Molecular consequence: nonsense.
Genome position (GRCh38, 1-based): chr1:94,021,302, A>C on the plus strand (T>G on the coding strand, the complement: ABCA4 is on the minus strand). VCF-style: chr1-94021302-A-C. GRCh37 (hg19) VCF-style: chr1-94486858-A-C.
Other names: c.4734T>G, p.Tyr1578Ter (NM_001425324.1); short protein forms Y1652*, Y1578*.
Identifiers: ClinVar variation 99335 (VCV000099335.6), dbSNP rs61750561, ClinGen allele CA227259.